The following is an entry in ClinVar:

NM_001008537.3(NEXMIF):c.354_355dup (p.Glu119fs)

Gene: NEXMIF (neurite extension and migration factor; minus strand). Cytogenetic location: Xq13.3.
Variant type: Microsatellite.
Coding change: c.354_355dup on transcript NM_001008537.3 (MANE Select); coding-DNA positions 354 to 355, 2 bases duplicated (TG; older notation c.354_355dupTG).
Protein change: p.Glu119fs; shifts the reading frame from glutamic acid 119.
Molecular consequence: frameshift variant.
Genome position (GRCh38, 1-based): chrX:74,744,202-74,744,203, CA duplicated on the plus strand (TG on the coding strand, the reverse complement: NEXMIF is on the minus strand); duplicating any 2 consecutive bases within chrX:74,744,202-74,744,205 gives the same sequence; the c. name uses the placement nearest the transcript's 3' end. VCF-style (leftmost placement, unchanged base first): chrX-74744201-T-TCA. GRCh37 (hg19) VCF-style: chrX-73964036-T-TCA.
Other names: short protein forms E119fs.
Identifiers: ClinVar variation 2088186 (VCV002088186.4), dbSNP rs2519916795, ClinGen allele CA2580612363.

ClinVar aggregate classification (germline): Pathogenic (1 of 4 stars; one submission).

Submission:

Labcorp Genetics (formerly Invitae), Labcorp
Classification: Pathogenic. Last evaluated: 2022-01-19. Review status: criteria provided, single submitter. Criteria: Invitae Variant Classification Sherloc (09022015). Collection method: clinical testing. Allele origin: germline.
Comment: This sequence change creates a premature translational stop signal (p.Glu119Valfs*8) in the NEXMIF gene. It is expected to result in an absent or disrupted protein product. Loss-of-function variants in NEXMIF are known to be pathogenic (PMID: 23615299). For these reasons, this variant has been classified as Pathogenic. Algorithms developed to predict the effect of sequence changes on RNA splicing suggest that this variant may create or strengthen a splice site. This variant has not been reported in the literature in individuals affected with NEXMIF-related conditions. This variant is not present in population databases (gnomAD no frequency).

Literature cited by the submitters: PubMed 23615299.